The following is an entry in ClinVar:

NM_000179.3(MSH6):c.2728_2735del (p.Asn910fs)

Gene: MSH6 (mutS homolog 6; plus strand). Cytogenetic location: 2p16.3.
Variant type: Deletion.
Coding change: c.2728_2735del on transcript NM_000179.3 (MANE Select); coding-DNA positions 2728 to 2735, 8 bases deleted (AACCGATG; older notation c.2728_2735delAACCGATG).
Protein change: p.Asn910fs; shifts the reading frame from asparagine 910.
Molecular consequence: frameshift variant. On other transcripts: non-coding transcript variant (5), intron variant (2).
Genome position (GRCh38, 1-based): chr2:47,800,711-47,800,718, AACCGATG deleted; deleting any 8 consecutive bases within chr2:47,800,709-47,800,718 gives the same sequence; the c. name uses the placement nearest the transcript's 3' end. VCF-style (leftmost placement, unchanged base first): chr2-47800708-TTGAACCGA-T. GRCh37 (hg19) VCF-style: chr2-48027847-TTGAACCGA-T.
Other names: c.2338_2345del, p.Asn780fs (NM_001281492.2); c.1822_1829del, p.Asn608fs (NM_001281493.2, NM_001281494.2, NM_001406811.1 and 6 more transcripts); c.2824_2831del, p.Asn942fs (NM_001406795.1, NM_001406802.1); c.2728_2735del, p.Asn910fs (NM_001406796.1, NM_001406798.1, NM_001406800.1 and 2 more transcripts); c.2431_2438del, p.Asn811fs (NM_001406797.1, NM_001406801.1, NM_001406805.1 and 10 more transcripts); c.2203_2210del, p.Asn735fs (NM_001406799.1, NM_001406806.1, NM_001406807.1); c.2650_2657del, p.Asn884fs (NM_001406804.1); c.2734_2741del, p.Asn912fs (NM_001406813.1); and 4 more; short protein forms N225fs, N608fs, N735fs, N780fs, N811fs, N854fs, N884fs, N910fs.
Identifiers: ClinVar variation 2673629 (VCV002673629.4), dbSNP rs2530689599, ClinGen allele CA2695200571.

ClinVar aggregate classification (germline): Pathogenic. Review status: criteria provided, multiple submitters, no conflicts (2 of 4 stars). 2 submissions from 2 submitters: Pathogenic (2). Last evaluated 2023-08-17.

Conditions:
Lynch syndrome 5 (LYNCH5). Also called: Hereditary non-polyposis colorectal cancer, type 5; Colorectal cancer, hereditary nonpolyposis, type 5. Identifiers: Orphanet 144, MedGen C1833477, MONDO:0013710, OMIM 614350. Disease mechanism: loss of function.
Hereditary nonpolyposis colorectal neoplasms. Identifiers: MedGen C0009405, MeSH D003123.

Submissions (2):

Myriad Genetics, Inc.
Classification: Pathogenic for Lynch syndrome 5. Last evaluated: 2023-08-17. Review status: criteria provided, single submitter. Criteria: Myriad Autosomal Dominant, Autosomal Recessive and X-Linked Classification Criteria (2023). Collection method: clinical testing. Allele origin: unknown.
Comment: This variant is considered pathogenic. This variant creates a frameshift predicted to result in premature protein truncation.

Labcorp Genetics (formerly Invitae), Labcorp
Classification: Pathogenic for Hereditary nonpolyposis colorectal neoplasms. Last evaluated: 2023-04-07. Review status: criteria provided, single submitter. Criteria: Invitae Variant Classification Sherloc (09022015). Collection method: clinical testing. Allele origin: germline.
Comment: For these reasons, this variant has been classified as Pathogenic. This variant has not been reported in the literature in individuals affected with MSH6-related conditions. This variant is not present in population databases (gnomAD no frequency). This sequence change creates a premature translational stop signal (p.Asn910Glyfs*5) in the MSH6 gene. It is expected to result in an absent or disrupted protein product. Loss-of-function variants in MSH6 are known to be pathogenic (PMID: 18269114, 24362816).

Literature cited by the submitters: PubMed 18269114 (cited by Labcorp Genetics (formerly Invitae), Labcorp); PubMed 24362816 (cited by Labcorp Genetics (formerly Invitae), Labcorp).